The following is an entry in ClinVar:

ClinVar aggregate classification (germline): Likely benign. Review status: criteria provided, single submitter (1 of 4 stars). 2 submissions from 2 submitters: Likely benign (1). 1 of the submissions does not count toward it. Last evaluated 2025-10-29.

Conditions:
ANKRD11-related disorder. Also called: ANKRD11-related condition.
KBG syndrome (KBGS). Also called: ANKRD11-Related KBG Syndrome. Identifiers: Orphanet 2332, MedGen C0220687, MONDO:0007846, OMIM 148050.

Allele frequency attached by ClinVar (database versions not stated): TOPMed 0.00007; ESP Exome Variant Server 0.00008; ExAC 0.00002; gnomAD 0.00003; gnomAD exomes 0.00003 and 0.00007.
gnomAD v4.1: 40 of 1,613,858 alleles (0.0025%); highest among the groups gnomAD compares: Admixed American, 0.033%; no homozygotes.

Submissions (2):

Labcorp Genetics (formerly Invitae), Labcorp
Classification: Likely benign for KBG syndrome. Last evaluated: 2025-10-29. Review status: criteria provided, single submitter. Criteria: Invitae Variant Classification Sherloc (09022015). Collection method: clinical testing. Allele origin: germline.

PreventionGenetics, part of Exact Sciences
Classification: Uncertain significance for ANKRD11-related condition. Last evaluated: 2023-10-26. Review status: no assertion criteria provided. Collection method: clinical testing. Allele origin: germline. Not counted in ClinVar's aggregate classification.
Comment: The ANKRD11 c.3400G>A variant is predicted to result in the amino acid substitution p.Gly1134Arg. To our knowledge, this variant has not been reported in the literature. This variant is reported in 0.045% of alleles in individuals of Latino descent in gnomAD. At this time, the clinical significance of this variant is uncertain due to the absence of conclusive functional and genetic evidence.

NM_013275.6(ANKRD11):c.3400G>A (p.Gly1134Arg)

Gene: ANKRD11 (ankyrin repeat domain 11; minus strand). Cytogenetic location: 16q24.3.
Variant type: single nucleotide variant.
Coding change: c.3400G>A on transcript NM_013275.6 (MANE Select); coding-DNA position 3400, G replaced by A.
Protein change: p.Gly1134Arg; replaces glycine 1134 with arginine.
Molecular consequence: missense variant.
Genome position (GRCh38, 1-based): chr16:89,283,142, C>T on the plus strand (G>A on the coding strand, the complement: ANKRD11 is on the minus strand). VCF-style: chr16-89283142-C-T. GRCh37 (hg19) VCF-style: chr16-89349550-C-T.
Other names: c.3400G>A (NM_013275.5); c.3400G>A, p.Gly1134Arg (NM_001256182.2, NM_001256183.2); short protein forms G1134R.
Identifiers: ClinVar variation 1615726 (VCV001615726.10), dbSNP rs373554894, ClinGen allele CA8242373.